The following is an entry in ClinVar:

ClinVar aggregate classification (germline): Likely benign. Review status: criteria provided, multiple submitters, no conflicts (2 of 4 stars). 3 submissions from 3 submitters: Likely benign (3). Last evaluated 2024-05-23.

Conditions:
Hereditary cancer-predisposing syndrome. Also called: Tumor predisposition; Neoplastic Syndromes, Hereditary; Hereditary Cancer Syndrome; Hereditary neoplastic syndrome. Identifiers: Orphanet 140162, MedGen C0027672, MeSH D009386, MONDO:0015356.
Familial cancer of breast. Also called: BREAST CANCER, FAMILIAL; hereditary breast carcinoma; Hereditary breast cancer. Identifiers: Orphanet 227535, MedGen C0346153, MONDO:0016419, OMIM 114480. Disease mechanism: loss of function.
Ataxia-telangiectasia syndrome (AT). Also called: Ataxia-telangiectasia; Ataxia-telangiectasia, complementation group D; AT, COMPLEMENTATION GROUP C; LOUIS-BAR SYNDROME; Cerebello-oculocutaneous telangiectasia; Immunodeficiency with ataxia telangiectasia. Identifiers: Orphanet 100, MedGen C0004135, MONDO:0008840, OMIM 208900.

Allele frequency attached by ClinVar (database versions not stated): gnomAD exomes below 0.00001.
gnomAD v4.1: 1 of 1,611,222 alleles (0.000062%); highest among the groups gnomAD compares: Non-Finnish European, 0.000085%; no homozygotes.

Submissions (3):

Myriad Genetics, Inc.
Classification: Likely benign for Familial cancer of breast. Last evaluated: 2024-05-23. Review status: criteria provided, single submitter. Criteria: Myriad Autosomal Dominant, Autosomal Recessive and X-Linked Classification Criteria (2023). Collection method: clinical testing. Allele origin: unknown.
Comment: This variant is considered likely benign. This variant is intronic and is not expected to impact mRNA splicing.

Labcorp Genetics (formerly Invitae), Labcorp
Classification: Likely benign for Ataxia-telangiectasia syndrome. Last evaluated: 2023-10-14. Review status: criteria provided, single submitter. Criteria: Invitae Variant Classification Sherloc (09022015). Collection method: clinical testing. Allele origin: germline.

Color Diagnostics, LLC DBA Color Health
Classification: Likely benign for Hereditary cancer-predisposing syndrome. Last evaluated: 2017-07-16. Review status: criteria provided, single submitter. Criteria: ACMG Guidelines, 2015. Collection method: clinical testing. Allele origin: germline.

NM_000051.4(ATM):c.5497-19A>G

Gene: ATM (ATM serine/threonine kinase; plus strand). Cytogenetic location: 11q22.3.
Variant type: single nucleotide variant.
Coding change: c.5497-19A>G on transcript NM_000051.4 (MANE Select); 19 bases into the intron before coding-DNA position 5497, A replaced by G.
Molecular consequence: intron variant.
Genome position (GRCh38, 1-based): chr11:108,304,656, A>G. VCF-style: chr11-108304656-A-G. GRCh37 (hg19) VCF-style: chr11-108175383-A-G.
Other names: c.5497-19A>G (NM_001351834.2).
Identifiers: ClinVar variation 490612 (VCV000490612.12), dbSNP rs1555107231, ClinGen allele CA658683124.